The following is an entry in ClinVar:

NM_000492.4(CFTR):c.554C>A (p.Ser185Tyr)

Gene: CFTR (CF transmembrane conductance regulator; plus strand). Cytogenetic location: 7q31.2.
Variant type: single nucleotide variant.
Coding change: c.554C>A on transcript NM_000492.4 (MANE Select); coding-DNA position 554, C replaced by A.
Protein change: p.Ser185Tyr; replaces serine 185 with tyrosine.
Molecular consequence: missense variant.
Genome position (GRCh38, 1-based): chr7:117,534,340, C>A. VCF-style: chr7-117534340-C-A. GRCh37 (hg19) VCF-style: chr7-117174394-C-A.
Other names: c.554C>A (NM_000492.3); short protein forms S185Y.
Identifiers: ClinVar variation 993804 (VCV000993804.11), dbSNP rs1798913314, ClinGen allele CA368976514.
Genomic context (GRCh38, chr7:117,534,340, plus strand): 5'-TAAAGCTGTCAAGCCGTGTTCTAGATAAAATAAGTATTGGACAACTTGTTAGTCTCCTTT[C>A]CAACAACCTGAACAAATTTGATGAAGTATGTACCTATTGATTTAATCTTTTAGGCACTAT-3'
Protein context (NP_000483.3, residues 175-195): ISIGQLVSLL[Ser185Tyr]NNLNKFDEGL

ClinVar aggregate classification (germline): Uncertain significance. Review status: criteria provided, multiple submitters, no conflicts (2 of 4 stars). 3 submissions from 3 submitters: Uncertain significance (2). 1 of the submissions does not count toward it. Last evaluated 2023-02-03.

Conditions:
CFTR-related disorder (CFTR-RD). Also called: CFTR-related disorders; CFTR-related condition. Identifiers: MedGen C5924204, MONDO:7770004.
Cystic fibrosis (CF). Also called: MUCOVISCIDOSIS. Identifiers: Orphanet 586, MedGen C0010674, MONDO:0009061, OMIM 219700. Disease mechanism: loss of function.

Allele frequency attached by ClinVar (database versions not stated): gnomAD exomes below 0.00001.
gnomAD v4.1: 4 of 1,595,640 alleles (0.00025%); highest among the groups gnomAD compares: Non-Finnish European, 0.00034%; no homozygotes.

Submissions (3):

Ambry Genetics
Classification: Uncertain significance for Cystic fibrosis. Last evaluated: 2023-02-03. Review status: criteria provided, single submitter. Criteria: Ambry Variant Classification Scheme 2023. Collection method: clinical testing. Allele origin: germline.
Comment: The p.S185Y variant (also known as c.554C>A), located in coding exon 5 of the CFTR gene, results from a C to A substitution at nucleotide position 554. The serine at codon 185 is replaced by tyrosine, an amino acid with dissimilar properties. This amino acid position is highly conserved in available vertebrate species. In addition, this alteration is predicted to be deleterious by in silico analysis. Since supporting evidence is limited at this time, the clinical significance of this alteration remains unclear.

ARUP Laboratories, Molecular Genetics and Genomics, ARUP Laboratories
Classification: Uncertain significance. Last evaluated: 2019-10-27. Review status: criteria provided, single submitter. Criteria: ARUP Molecular Germline Variant Investigation Process. Collection method: clinical testing. Allele origin: germline.
Comment: The CFTR c.554C>A; p.Ser185Tyr variant, to our knowledge, is not reported in the medical literature or gene specific databases. This variant is also absent from general population databases (Exome Variant Server, Genome Aggregation Database), indicating it is not a common polymorphism. The serine at codon 185 is highly conserved, and computational analyses (SIFT, PolyPhen-2) predict that this variant is deleterious. Due to limited information, the clinical significance of the p.Ser185Tyr variant is uncertain at this time.

Natera, Inc.
Classification: Uncertain significance for CFTR-related disorders. Last evaluated: 2019-06-10. Review status: no assertion criteria provided. Collection method: clinical testing. Allele origin: germline. Not counted in ClinVar's aggregate classification.